The following is an entry in ClinVar:

NM_021830.5(TWNK):c.2022C>G (p.Pro674=)

Gene: TWNK (twinkle mtDNA helicase; plus strand). Cytogenetic location: 10q24.31.
Variant type: single nucleotide variant.
Coding change: c.2022C>G on transcript NM_021830.5 (MANE Select); coding-DNA position 2022, C replaced by G.
Protein change: p.Pro674=; no amino-acid change (proline 674 retained).
Molecular consequence: synonymous variant. On other transcripts: 3 prime UTR variant (2), non-coding transcript variant (5).
Genome position (GRCh38, 1-based): chr10:100,993,477, C>G. VCF-style: chr10-100993477-C-G. GRCh37 (hg19) VCF-style: chr10-102753234-C-G.
Other names: p.Pro674=; c.*317C>G (NM_001163812.2, NM_001163814.2); c.660C>G, p.Pro220= (NM_001163813.2, NM_001368275.1).
Identifiers: ClinVar variation 4683538 (VCV004683538.1).
Genomic context (GRCh38, chr10:100,993,477, plus strand): 5'-TGGCAAAAAGGGGGCTACGACACAGAACTCTGAGATTTGCTCAGGCCAGGCCCCCACTCC[C>G]GACCAGCCAGACACCTCCAAGCGTTCAAAGTGAAGGCCGTGCAGAGCTGGTCACTGAAAT-3'
Protein context (NP_068602.2, residues 664-684): SEICSGQAPT[Pro674=]DQPDTSKRSK

ClinVar aggregate classification (germline): Likely benign (1 of 4 stars; one submission).

Submission:

Mayo Clinic Laboratories, Mayo Clinic
Classification: Likely benign. Last evaluated: 2025-08-21. Review status: criteria provided, single submitter. Criteria: ACMG Guidelines, 2015. Collection method: clinical testing. Allele origin: germline. Observed: 1 variant allele.
Comment: BP4, BP7